The following is an entry in ClinVar:

NM_002880.4(RAF1):c.396T>G (p.Asp132Glu)

Gene: RAF1 (Raf-1 proto-oncogene, serine/threonine kinase; minus strand). Cytogenetic location: 3p25.2.
Variant type: single nucleotide variant.
Coding change: c.396T>G on transcript NM_002880.4 (MANE Select); coding-DNA position 396, T replaced by G.
Protein change: p.Asp132Glu; replaces aspartic acid 132 with glutamic acid.
Molecular consequence: missense variant. On other transcripts: non-coding transcript variant (3).
Genome position (GRCh38, 1-based): chr3:12,609,260, A>C on the plus strand (T>G on the coding strand, the complement: RAF1 is on the minus strand). VCF-style: chr3-12609260-A-C. GRCh37 (hg19) VCF-style: chr3-12650759-A-C.
Other names: c.396T>G, p.Asp132Glu (NM_001354689.3, NM_001354690.3, NM_001354693.3); c.153T>G, p.Asp51Glu (NM_001354691.3, NM_001354692.3, NM_001354694.3 and 1 more transcripts); short protein forms D132E, D51E.
Identifiers: ClinVar variation 3635607 (VCV003635607.2).

ClinVar aggregate classification (germline): Uncertain significance (1 of 4 stars; one submission).

Conditions:
RASopathy. Also called: Noonan spectrum disorder; rasopathies. Identifiers: Orphanet 536391, MedGen C5555857, MONDO:0021060.

Submission:

Labcorp Genetics (formerly Invitae), Labcorp
Classification: Uncertain significance for RASopathy. Last evaluated: 2024-04-20. Review status: criteria provided, single submitter. Criteria: Invitae Variant Classification Sherloc (09022015). Collection method: clinical testing. Allele origin: germline.
Comment: This sequence change replaces aspartic acid, which is acidic and polar, with glutamic acid, which is acidic and polar, at codon 132 of the RAF1 protein (p.Asp132Glu). This variant is not present in population databases (gnomAD no frequency). This variant has not been reported in the literature in individuals affected with RAF1-related conditions. Advanced modeling of protein sequence and biophysical properties (such as structural, functional, and spatial information, amino acid conservation, physicochemical variation, residue mobility, and thermodynamic stability) has been performed at Invitae for this missense variant, however the output from this modeling did not meet the statistical confidence thresholds required to predict the impact of this variant on RAF1 protein function. In summary, the available evidence is currently insufficient to determine the role of this variant in disease. Therefore, it has been classified as a Variant of Uncertain Significance.